The following is an entry in ClinVar:

NM_006118.4(HAX1):c.749G>C (p.Arg250Thr)

Gene: HAX1 (HCLS1 associated protein X-1; plus strand). Cytogenetic location: 1q21.3.
Variant type: single nucleotide variant.
Coding change: c.749G>C on transcript NM_006118.4 (MANE Select); coding-DNA position 749, G replaced by C.
Protein change: p.Arg250Thr; replaces arginine 250 with threonine.
Molecular consequence: missense variant.
Genome position (GRCh38, 1-based): chr1:154,275,478, G>C. VCF-style: chr1-154275478-G-C. GRCh37 (hg19) VCF-style: chr1-154247954-G-C.
Other names: c.605G>C, p.Arg202Thr (NM_001018837.2); short protein forms R202T, R250T.
Identifiers: ClinVar variation 4826680 (VCV004826680.1).
Genomic context (GRCh38, chr1:154,275,478, plus strand): 5'-TGGACAGTGAGGGCCGGACAGAGACTACAGTAACCCGACACGAAGCAGATAGCAGTCCTA[G>C]GGGTGGTAAGTTAAAAGACAAAGGGGTTCATCTCAAGATTCCTTGGGGAAGGGAAATCTT-3'
Protein context (NP_006109.2, residues 240-260): VTRHEADSSP[Arg250Thr]GDPESPRPPA

ClinVar aggregate classification (germline): Uncertain significance (1 of 4 stars; one submission).

Conditions:
Inborn genetic diseases. Identifiers: MedGen C0950123, MeSH D030342.

Submission:

Ambry Genetics
Classification: Uncertain significance for Inborn genetic diseases. Last evaluated: 2026-03-01. Review status: criteria provided, single submitter. Criteria: Ambry Variant Classification Scheme 2023. Collection method: clinical testing. Allele origin: germline.
Comment: The p.R250T variant (also known as c.749G>C), located in coding exon 6 of the HAX1 gene, results from a G to C substitution at nucleotide position 749. The arginine at codon 250 is replaced by threonine, an amino acid with similar properties. This amino acid position is conserved. In addition, this alteration is predicted to be tolerated by in silico analysis. Based on the available evidence, the clinical significance of this variant remains unclear.